The following is an entry in ClinVar:

ClinVar aggregate classification (germline): Uncertain significance. Review status: criteria provided, multiple submitters, no conflicts (2 of 4 stars). 6 submissions from 6 submitters: Uncertain significance (3). 3 of the submissions do not count toward it. Last evaluated 2026-03-30.

Conditions:
Hereditary cancer-predisposing syndrome. Also called: Neoplastic Syndromes, Hereditary; Hereditary Cancer Syndrome; Tumor predisposition; Hereditary neoplastic syndrome. Identifiers: Orphanet 140162, MedGen C0027672, MeSH D009386, MONDO:0015356.
Hereditary breast ovarian cancer syndrome. Also called: Hereditary breast and ovarian cancer; BRCA1- and BRCA2-Associated Hereditary Breast and Ovarian Cancer; Hereditary breast and ovarian cancer syndrome; Hereditary breast and ovarian cancer syndrome (HBOC); Breast and ovarian cancer; Hereditary breast and/or ovarian cancer syndrome. Identifiers: Orphanet 145, MedGen C0677776, MeSH D061325, MONDO:0003582. Disease mechanism: loss of function.

Allele frequency attached by ClinVar (database versions not stated): gnomAD exomes below 0.00001.
gnomAD v4.1: 4 of 1,609,366 alleles (0.00025%); highest among the groups gnomAD compares: Non-Finnish European, 0.00034%; no homozygotes.

Submissions (6):

Ambry Genetics
Classification: Uncertain significance for Hereditary cancer-predisposing syndrome. Last evaluated: 2026-03-30. Review status: criteria provided, single submitter. Criteria: Ambry Variant Classification Scheme 2023. Collection method: clinical testing. Allele origin: germline.
Comment: The p.R155I variant (also known as c.464G>T), located in coding exon 4 of the BRCA2 gene, results from a G to T substitution at nucleotide position 464. The arginine at codon 155 is replaced by isoleucine, an amino acid with similar properties. This nucleotide position is well conserved in available vertebrate species. This amino acid position is well conserved in available vertebrate species. In silico splice site analysis for this alteration is inconclusive. RNA studies have demonstrated that this alteration results in an incomplete splice defect; the clinical impact of this abnormal splicing is unknown at this time (Ambry internal data). In addition, as a missense, this alteration is predicted to be tolerated by in silico analysis. Based on the available evidence, the clinical significance of this variant remains unclear.

Quest Diagnostics Nichols Institute San Juan Capistrano
Classification: Uncertain significance. Last evaluated: 2025-03-14. Review status: criteria provided, single submitter. Criteria: Quest Diagnostics criteria. Collection method: clinical testing. Allele origin: unknown.
Comment: The BRCA2 c.464G>T (p.Arg155Ile) variant has been reported in the published literature in a family with breast and/or ovarian cancer (PMID: 16683254 (2006)), and in a cohort of prostate cancer patients (PMID: 36922933 (2022)). The frequency of this variant in the general population (Genome Aggregation Database) is uninformative in the assessment of its pathogenicity. Analysis of this variant using bioinformatics tools for the prediction of the effect of amino acid changes on protein structure and function yielded conflicting predictions that this variant is benign or damaging. Based on the available information, we are unable to determine the clinical significance of this variant.

Labcorp Genetics (formerly Invitae), Labcorp
Classification: Uncertain significance for Hereditary breast ovarian cancer syndrome. Last evaluated: 2024-05-01. Review status: criteria provided, single submitter. Criteria: Invitae Variant Classification Sherloc (09022015). Collection method: clinical testing. Allele origin: germline.
Comment: This sequence change replaces arginine, which is basic and polar, with isoleucine, which is neutral and non-polar, at codon 155 of the BRCA2 protein (p.Arg155Ile). This variant is present in population databases (no rsID available, gnomAD 0.0009%). This missense change has been observed in individual(s) with breast and/or ovarian cancer (PMID: 16683254). ClinVar contains an entry for this variant (Variation ID: 236869). Advanced modeling of protein sequence and biophysical properties (such as structural, functional, and spatial information, amino acid conservation, physicochemical variation, residue mobility, and thermodynamic stability) performed at Invitae indicates that this missense variant is not expected to disrupt BRCA2 protein function with a negative predictive value of 95%. Algorithms developed to predict the effect of sequence changes on RNA splicing suggest that this variant may disrupt the consensus splice site. In summary, the available evidence is currently insufficient to determine the role of this variant in disease. Therefore, it has been classified as a Variant of Uncertain Significance.

Clinical Genetics DNA and cytogenetics Diagnostics Lab, Erasmus MC, Erasmus Medical Center
Classification: Uncertain significance. Review status: no assertion criteria provided. Collection method: clinical testing. Allele origin: germline. Affected: yes. Study: VKGL Data-share Consensus. Not counted in ClinVar's aggregate classification.

Diagnostic Laboratory, Department of Genetics, University Medical Center Groningen
Classification: Uncertain significance. Review status: no assertion criteria provided. Collection method: clinical testing. Allele origin: germline. Affected: yes. Study: VKGL Data-share Consensus. Not counted in ClinVar's aggregate classification.

Joint Genome Diagnostic Labs from Nijmegen and Maastricht, Radboudumc and MUMC+
Classification: Uncertain significance. Review status: no assertion criteria provided. Collection method: clinical testing. Allele origin: germline. Affected: yes. Study: VKGL Data-share Consensus. Not counted in ClinVar's aggregate classification.

Literature cited by the submitters: PubMed 16683254 (cited by Quest Diagnostics Nichols Institute San Juan Capistrano and Labcorp Genetics (formerly Invitae), Labcorp); PubMed 31131967 (cited by Quest Diagnostics Nichols Institute San Juan Capistrano); PubMed 31911673 (cited by Quest Diagnostics Nichols Institute San Juan Capistrano); PubMed 35412613 (cited by Quest Diagnostics Nichols Institute San Juan Capistrano); PubMed 38878505 (cited by Quest Diagnostics Nichols Institute San Juan Capistrano); PubMed 36922933 (cited by Quest Diagnostics Nichols Institute San Juan Capistrano); PubMed 25348012 (cited by Quest Diagnostics Nichols Institute San Juan Capistrano).

NM_000059.4(BRCA2):c.464G>T (p.Arg155Ile)

Gene: BRCA2 (BRCA2 DNA repair associated; plus strand). Cytogenetic location: 13q13.1.
Variant type: single nucleotide variant.
Coding change: c.464G>T on transcript NM_000059.4 (MANE Select); coding-DNA position 464, G replaced by T.
Protein change: p.Arg155Ile; replaces arginine 155 with isoleucine.
Molecular consequence: missense variant.
Genome position (GRCh38, 1-based): chr13:32,326,139, G>T. VCF-style: chr13-32326139-G-T. GRCh37 (hg19) VCF-style: chr13-32900276-G-T.
Other names: short protein forms R155I.
Identifiers: ClinVar variation 236869 (VCV000236869.16), dbSNP rs377639990, ClinGen allele CA10583066.